The following is an entry in ClinVar:

NM_000059.4(BRCA2):c.8210T>C (p.Leu2737Ser)

Gene: BRCA2 (BRCA2 DNA repair associated; plus strand). Cytogenetic location: 13q13.1.
Variant type: single nucleotide variant.
Coding change: c.8210T>C on transcript NM_000059.4 (MANE Select); coding-DNA position 8210, T replaced by C.
Protein change: p.Leu2737Ser; replaces leucine 2737 with serine.
Molecular consequence: missense variant.
Genome position (GRCh38, 1-based): chr13:32,363,412, T>C. VCF-style: chr13-32363412-T-C. GRCh37 (hg19) VCF-style: chr13-32937549-T-C.
Other names: short protein forms L2737S.
Identifiers: ClinVar variation 663379 (VCV000663379.9), dbSNP rs1566245715, ClinGen allele CA387749773.

ClinVar aggregate classification (germline): Uncertain significance (1 of 4 stars; one submission).

Conditions:
Hereditary breast ovarian cancer syndrome. Also called: Hereditary breast and ovarian cancer syndrome (HBOC); Hereditary breast and ovarian cancer syndrome; Breast and ovarian cancer; Hereditary breast and ovarian cancer; Hereditary breast and/or ovarian cancer syndrome; BRCA1- and BRCA2-Associated Hereditary Breast and Ovarian Cancer. Identifiers: Orphanet 145, MedGen C0677776, MeSH D061325, MONDO:0003582. Disease mechanism: loss of function.

Submission:

Labcorp Genetics (formerly Invitae), Labcorp
Classification: Uncertain significance for Hereditary breast ovarian cancer syndrome. Last evaluated: 2018-10-04. Review status: criteria provided, single submitter. Criteria: Invitae Variant Classification Sherloc (09022015). Collection method: clinical testing. Allele origin: germline.
Comment: Algorithms developed to predict the effect of missense changes on protein structure and function output the following: SIFT: "Tolerated"; PolyPhen-2: "Benign"; Align-GVGD: "Class C0". The serine amino acid residue is found in multiple mammalian species, suggesting that this missense change does not adversely affect protein function. These predictions have not been confirmed by published functional studies and their clinical significance is uncertain. This sequence change replaces leucine with serine at codon 2737 of the BRCA2 protein (p.Leu2737Ser). The leucine residue is weakly conserved and there is a large physicochemical difference between leucine and serine. This variant is not present in population databases (ExAC no frequency). This variant has not been reported in the literature in individuals with BRCA2-related disease. In summary, the available evidence is currently insufficient to determine the role of this variant in disease. Therefore, it has been classified as a Variant of Uncertain Significance.